The following is an entry in ClinVar:

NM_007373.4(SHOC2):c.169T>C (p.Ser57Pro)

Gene: SHOC2 (SHOC2 leucine rich repeat scaffold protein; plus strand). Cytogenetic location: 10q25.2.
Variant type: single nucleotide variant.
Coding change: c.169T>C on transcript NM_007373.4 (MANE Select); coding-DNA position 169, T replaced by C.
Protein change: p.Ser57Pro; replaces serine 57 with proline.
Molecular consequence: missense variant.
Genome position (GRCh38, 1-based): chr10:110,964,527, T>C. VCF-style: chr10-110964527-T-C. GRCh37 (hg19) VCF-style: chr10-112724285-T-C.
Other names: c.169T>C, p.Ser57Pro (NM_001269039.3, NM_001324336.2, NM_001324337.2); short protein forms S57P.
Identifiers: ClinVar variation 1508675 (VCV001508675.8), dbSNP rs754709778, ClinGen allele CA5689559.

ClinVar aggregate classification (germline): Uncertain significance. Review status: criteria provided, multiple submitters, no conflicts (2 of 4 stars). 2 submissions from 2 submitters: Uncertain significance (2). Last evaluated 2025-05-08.

Conditions:
Cardiovascular phenotype. Identifiers: MedGen CN230736.
RASopathy. Also called: rasopathies; Noonan spectrum disorder. Identifiers: Orphanet 536391, MedGen C5555857, MONDO:0021060.

Allele frequency attached by ClinVar (database versions not stated): gnomAD 0.00001; ExAC 0.00002; gnomAD exomes 0.00002; TOPMed 0.00003.
gnomAD v4.1: 9 of 1,613,814 alleles (0.00056%); highest among the groups gnomAD compares: Admixed American, 0.01%; no homozygotes.

Submissions (2):

Labcorp Genetics (formerly Invitae), Labcorp
Classification: Uncertain significance for RASopathy. Last evaluated: 2025-05-08. Review status: criteria provided, single submitter. Criteria: Invitae Variant Classification Sherloc (09022015). Collection method: clinical testing. Allele origin: germline.
Comment: This sequence change replaces serine, which is neutral and polar, with proline, which is neutral and non-polar, at codon 57 of the SHOC2 protein (p.Ser57Pro). This variant is present in population databases (rs754709778, gnomAD 0.01%). This variant has not been reported in the literature in individuals affected with SHOC2-related conditions. ClinVar contains an entry for this variant (Variation ID: 1508675). Invitae Evidence Modeling of protein sequence and biophysical properties (such as structural, functional, and spatial information, amino acid conservation, physicochemical variation, residue mobility, and thermodynamic stability) indicates that this missense variant is not expected to disrupt SHOC2 protein function with a negative predictive value of 80%. In summary, the available evidence is currently insufficient to determine the role of this variant in disease. Therefore, it has been classified as a Variant of Uncertain Significance.

Ambry Genetics
Classification: Uncertain significance for Cardiovascular phenotype. Last evaluated: 2021-11-04. Review status: criteria provided, single submitter. Criteria: Ambry Variant Classification Scheme 2023. Collection method: clinical testing. Allele origin: germline.
Comment: The p.S57P variant (also known as c.169T>C), located in coding exon 1 of the SHOC2 gene, results from a T to C substitution at nucleotide position 169. The serine at codon 57 is replaced by proline, an amino acid with similar properties. This amino acid position is conserved. In addition, this alteration is predicted to be tolerated by in silico analysis. Since supporting evidence is limited at this time, the clinical significance of this alteration remains unclear.